The following is an entry in ClinVar:

NM_000257.4(MYH7):c.797-17T>C

Gene: MYH7 (myosin heavy chain 7; minus strand). Cytogenetic location: 14q11.2.
Variant type: single nucleotide variant.
Coding change: c.797-17T>C on transcript NM_000257.4 (MANE Select); 17 bases into the intron before coding-DNA position 797, T replaced by C.
Molecular consequence: intron variant.
Genome position (GRCh38, 1-based): chr14:23,431,016, A>G on the plus strand (T>C on the coding strand, the complement: MYH7 is on the minus strand). VCF-style: chr14-23431016-A-G. GRCh37 (hg19) VCF-style: chr14-23900225-A-G.
Identifiers: ClinVar variation 188601 (VCV000188601.21), dbSNP rs532401716, ClinGen allele CA016846.

ClinVar aggregate classification (germline): Benign/Likely benign. Review status: criteria provided, multiple submitters, no conflicts (2 of 4 stars). 10 submissions from 10 submitters: Benign (3); Likely benign (2). 5 of the submissions do not count toward it. Last evaluated 2026-01-20.

Conditions:
Hypertrophic cardiomyopathy. Also called: HYPERTROPHIC MYOCARDIOPATHY. Identifiers: Orphanet 217569, MedGen C0007194, MeSH D002312, MONDO:0005045, HP:0001639.

Allele frequency attached by ClinVar (database versions not stated): gnomAD 0.00001 and 0.00023; TOPMed 0.00006; gnomAD exomes 0.00047 and 0.00085; ExAC 0.00096; 1000 Genomes Project 0.00140.
gnomAD v4.1: 711 of 1,566,184 alleles (0.045%); highest among the groups gnomAD compares: South Asian, 0.68%; 10 homozygotes.

Submissions (10):

Labcorp Genetics (formerly Invitae), Labcorp
Classification: Benign for Hypertrophic cardiomyopathy. Last evaluated: 2026-01-20. Review status: criteria provided, single submitter. Criteria: Invitae Variant Classification Sherloc (09022015). Collection method: clinical testing. Allele origin: germline.

Women's Health and Genetics/Laboratory Corporation of America, LabCorp
Classification: Benign. Last evaluated: 2025-01-09. Review status: criteria provided, single submitter. Criteria: LabCorp Variant Classification Summary - May 2015. Collection method: clinical testing. Allele origin: germline.
Comment: Variant summary: MYH7 c.797-17T>C alters a nucleotide located at a position not widely known to affect splicing. Consensus agreement among computation tools predict no significant impact on normal splicing (TraP). However, these predictions have yet to be confirmed by functional studies. The variant allele was found at a frequency of 0.00085 in 250654 control chromosomes, predominantly at a frequency of 0.0065 within the South Asian subpopulation in the gnomAD database, including 1 homozygote. The observed variant frequency within South Asian control individuals in the gnomAD database is approximately 5 - fold of the estimated maximal expected allele frequency for a pathogenic variant in MYH7 causing Cardiomyopathy phenotype (0.0013). To our knowledge, no occurrence of c.797-17T>C in individuals affected with Cardiomyopathy and no experimental evidence demonstrating its impact on protein function have been reported. ClinVar contains an entry for this variant (Variation ID: 188601). Based on the evidence outlined above, the variant was classified as benign.

Blueprint Genetics
Classification: Likely benign. Last evaluated: 2024-11-17. Review status: criteria provided, single submitter. Criteria: ACMG Guidelines, 2015. Collection method: clinical testing. Allele origin: germline.

GeneDx
Classification: Benign. Last evaluated: 2015-03-03. Review status: criteria provided, single submitter. Criteria: GeneDx Variant Classification Process June 2021. Collection method: clinical testing. Allele origin: germline. Affected: yes.

PreventionGenetics, part of Exact Sciences
Classification: Likely benign. Review status: criteria provided, single submitter. Criteria: ACMG Guidelines, 2015. Collection method: clinical testing. Allele origin: germline.

Clinical Genetics DNA and cytogenetics Diagnostics Lab, Erasmus MC, Erasmus Medical Center
Classification: Likely benign. Review status: no assertion criteria provided. Collection method: clinical testing. Allele origin: germline. Affected: yes. Study: VKGL Data-share Consensus. Not counted in ClinVar's aggregate classification.

Diagnostic Laboratory, Department of Genetics, University Medical Center Groningen
Classification: Likely benign. Review status: no assertion criteria provided. Collection method: clinical testing. Allele origin: germline. Affected: yes. Study: VKGL Data-share Consensus. Not counted in ClinVar's aggregate classification.

Genome Diagnostics Laboratory, University Medical Center Utrecht
Classification: Likely benign. Review status: no assertion criteria provided. Collection method: clinical testing. Allele origin: germline. Affected: yes. Study: VKGL Data-share Consensus. Not counted in ClinVar's aggregate classification.

Joint Genome Diagnostic Labs from Nijmegen and Maastricht, Radboudumc and MUMC+
Classification: Likely benign. Review status: no assertion criteria provided. Collection method: clinical testing. Allele origin: germline. Affected: yes. Study: VKGL Data-share Consensus. Not counted in ClinVar's aggregate classification.

Laboratory of Diagnostic Genome Analysis, Leiden University Medical Center (LUMC)
Classification: Likely benign. Review status: no assertion criteria provided. Collection method: clinical testing. Allele origin: germline. Affected: yes. Study: VKGL Data-share Consensus. Not counted in ClinVar's aggregate classification.